The following is an entry in ClinVar:

ClinVar aggregate classification (germline): Uncertain significance (1 of 4 stars; one submission).

Conditions:
Familial cold autoinflammatory syndrome 3 (FCAS3). Also called: ANTIBODY DEFICIENCY AND IMMUNE DYSREGULATION, PLCG2-ASSOCIATED; FAMILIAL ATYPICAL COLD URTICARIA. Identifiers: Orphanet 300359, MedGen C3280914, MONDO:0013766, OMIM 614468.

Submission:

Labcorp Genetics (formerly Invitae), Labcorp
Classification: Uncertain significance for Familial cold autoinflammatory syndrome 3. Last evaluated: 2024-11-04. Review status: criteria provided, single submitter. Criteria: Invitae Variant Classification Sherloc (09022015). Collection method: clinical testing. Allele origin: germline.
Comment: This sequence change replaces leucine, which is neutral and non-polar, with valine, which is neutral and non-polar, at codon 1129 of the PLCG2 protein (p.Leu1129Val). This variant is not present in population databases (gnomAD no frequency). This variant has not been reported in the literature in individuals affected with PLCG2-related conditions. An algorithm developed to predict the effect of missense changes on protein structure and function (PolyPhen-2) suggests that this variant is likely to be disruptive. In summary, the available evidence is currently insufficient to determine the role of this variant in disease. Therefore, it has been classified as a Variant of Uncertain Significance.

NM_002661.5(PLCG2):c.3385C>G (p.Leu1129Val)

Gene: PLCG2 (phospholipase C gamma 2; plus strand). Cytogenetic location: 16q23.3.
Variant type: single nucleotide variant.
Coding change: c.3385C>G on transcript NM_002661.5 (MANE Select); coding-DNA position 3385, C replaced by G.
Protein change: p.Leu1129Val; replaces leucine 1129 with valine.
Molecular consequence: missense variant.
Genome position (GRCh38, 1-based): chr16:81,939,963, C>G. VCF-style: chr16-81939963-C-G. GRCh37 (hg19) VCF-style: chr16-81973568-C-G.
Other names: c.3385C>G, p.Leu1129Val (NM_001425749.1, NM_001425750.1, NM_001425751.1); short protein forms L1129V.
Identifiers: ClinVar variation 3625891 (VCV003625891.2).